The following is an entry in ClinVar:

ClinVar aggregate classification (germline): Uncertain significance (0 of 4 stars; one submission).

Conditions:
DCHS2-related disorder. Also called: DCHS2-related condition.

Submission:

PreventionGenetics, part of Exact Sciences
Classification: Uncertain significance for DCHS2-related condition. Last evaluated: 2023-12-21. Review status: no assertion criteria provided. Collection method: clinical testing. Allele origin: germline.
Comment: The DCHS2 c.2854G>A variant is predicted to result in the amino acid substitution p.Ala952Thr. To our knowledge, this variant has not been reported in the literature or in a large population database, indicating this variant is rare. At this time, the clinical significance of this variant is uncertain due to the absence of conclusive functional and genetic evidence.

NM_001358235.2(DCHS2):c.2854G>A (p.Ala952Thr)

Gene: DCHS2 (dachsous cadherin-related 2; minus strand). Cytogenetic location: 4q31.3.
Variant type: single nucleotide variant.
Coding change: c.2854G>A on transcript NM_001358235.2 (MANE Select); coding-DNA position 2854, G replaced by A.
Protein change: p.Ala952Thr; replaces alanine 952 with threonine.
Molecular consequence: missense variant.
Genome position (GRCh38, 1-based): chr4:154,333,354, C>T on the plus strand (G>A on the coding strand, the complement: DCHS2 is on the minus strand). VCF-style: chr4-154333354-C-T. GRCh37 (hg19) VCF-style: chr4-155254506-C-T.
Other names: c.2854G>A, p.Ala952Thr (NM_001142552.2, NM_001412223.1); short protein forms A952T.
Identifiers: ClinVar variation 3041088 (VCV003041088.2), dbSNP rs2530202798, ClinGen allele CA358521818.